The following is an entry in ClinVar:

ClinVar aggregate classification (germline): Uncertain significance. Review status: criteria provided, multiple submitters, no conflicts (2 of 4 stars). 9 submissions from 5 submitters: Uncertain significance (9). Last evaluated 2026-02-10.

Conditions:
CEP290-related disorder. Also called: CEP290-related disorders; CEP290-related condition. Identifiers: MedGen CN239314.
Joubert syndrome. Also called: Familial aplasia of the vermis; JOUBERT-BOLTSHAUSER SYNDROME. Identifiers: Orphanet 475, MedGen C5979921, MONDO:0018772.
Meckel-Gruber syndrome. Also called: DYSENCEPHALIA SPLANCHNOCYSTICA; GRUBER SYNDROME; Dysencephalia splachnocystica. Identifiers: Orphanet 564, MedGen C0265215, MONDO:0018921.
Nephronophthisis. Also called: Juvenile Nephronophthisis. Identifiers: Orphanet 655, MedGen C0687120, MONDO:0019005, HP:0000090.
Bardet-Biedl syndrome 14 (BBS14). Identifiers: Orphanet 110, MedGen C2673874, MONDO:0014442, OMIM 615991.
Leber congenital amaurosis 10 (LCA10). Identifiers: Orphanet 65, MedGen C1857821, MONDO:0012723, OMIM 611755.
Meckel syndrome, type 4 (MKS4). Also called: MECKEL-GRUBER SYNDROME, TYPE 4. Identifiers: Orphanet 564, MedGen C1970161, MONDO:0012626, OMIM 611134.
Joubert syndrome 5 (JBTS5). Identifiers: Orphanet 2318, MedGen C1857780, MONDO:0012432, OMIM 610188.
Senior-Loken syndrome 6 (SLSN6). Identifiers: Orphanet 3156, MedGen C1857779, MONDO:0012433, OMIM 610189.

Allele frequency attached by ClinVar (database versions not stated): gnomAD 0.00001; ExAC 0.00002; gnomAD exomes 0.00002; TOPMed 0.00002.
gnomAD v4.1: 29 of 1,609,046 alleles (0.0018%); highest among the groups gnomAD compares: Middle Eastern, 0.086%; no homozygotes.

Submissions (9):

PreventionGenetics, part of Exact Sciences
Classification: Uncertain significance for CEP290-related condition. Last evaluated: 2026-02-10. Review status: criteria provided, single submitter. Criteria: ACMG Guidelines, 2015. Collection method: clinical testing. Allele origin: germline.
Comment: The CEP290 c.7375C>T variant is predicted to result in the amino acid substitution p.Pro2459Ser. To our knowledge, this variant has not been reported in the literature. This variant is reported in 0.0032% of alleles in individuals of European (Non-Finnish) descent in gnomAD. At this time, the clinical significance of this variant is uncertain due to the absence of conclusive functional and genetic evidence.

Blueprint Genetics
Classification: Uncertain significance. Last evaluated: 2024-08-06. Review status: criteria provided, single submitter. Criteria: ACMG Guidelines, 2015. Collection method: clinical testing. Allele origin: germline.

Fulgent Genetics
Classification: Uncertain significance for Joubert syndrome 5; Senior-Loken syndrome 6; Meckel syndrome, type 4; Leber congenital amaurosis 10; Bardet-Biedl syndrome 14. Last evaluated: 2024-04-04. Review status: criteria provided, single submitter. Criteria: ACMG Guidelines, 2015. Collection method: clinical testing. Allele origin: germline.

Labcorp Genetics (formerly Invitae), Labcorp
Classification: Uncertain significance for Joubert syndrome; Meckel-Gruber syndrome; Nephronophthisis. Last evaluated: 2022-07-19. Review status: criteria provided, single submitter. Criteria: Invitae Variant Classification Sherloc (09022015). Collection method: clinical testing. Allele origin: germline.
Comment: This sequence change replaces proline, which is neutral and non-polar, with serine, which is neutral and polar, at codon 2459 of the CEP290 protein (p.Pro2459Ser). The frequency data for this variant in the population databases is considered unreliable, as metrics indicate poor data quality at this position in the gnomAD database. This variant has not been reported in the literature in individuals affected with CEP290-related conditions. ClinVar contains an entry for this variant (Variation ID: 310584). Algorithms developed to predict the effect of missense changes on protein structure and function (SIFT, PolyPhen-2, Align-GVGD) all suggest that this variant is likely to be tolerated. In summary, the available evidence is currently insufficient to determine the role of this variant in disease. Therefore, it has been classified as a Variant of Uncertain Significance.

Illumina Laboratory Services, Illumina
Classification: Uncertain significance for Senior-Loken syndrome 6. Last evaluated: 2018-01-13. Review status: criteria provided, single submitter. Criteria: ICSL Variant Classification Criteria 13 December 2019. Collection method: clinical testing. Allele origin: germline.

Illumina Laboratory Services, Illumina
Classification: Uncertain significance for Joubert syndrome 5. Last evaluated: 2018-01-13. Review status: criteria provided, single submitter. Criteria: ICSL Variant Classification Criteria 13 December 2019. Collection method: clinical testing. Allele origin: germline.

Illumina Laboratory Services, Illumina
Classification: Uncertain significance for Meckel syndrome, type 4. Last evaluated: 2018-01-13. Review status: criteria provided, single submitter. Criteria: ICSL Variant Classification Criteria 13 December 2019. Collection method: clinical testing. Allele origin: germline.

Illumina Laboratory Services, Illumina
Classification: Uncertain significance for Bardet-Biedl syndrome 14. Last evaluated: 2018-01-13. Review status: criteria provided, single submitter. Criteria: ICSL Variant Classification Criteria 13 December 2019. Collection method: clinical testing. Allele origin: germline.

Illumina Laboratory Services, Illumina
Classification: Uncertain significance for Leber congenital amaurosis 10. Last evaluated: 2018-01-13. Review status: criteria provided, single submitter. Criteria: ICSL Variant Classification Criteria 13 December 2019. Collection method: clinical testing. Allele origin: germline.

NM_025114.4(CEP290):c.7375C>T (p.Pro2459Ser)

Genes: CEP290 (centrosomal protein 290; minus strand), RLIG1 (RNA 5'-phosphate and 3'-OH ligase 1; plus strand). Cytogenetic location: 12q21.32.
Variant type: single nucleotide variant.
Coding change: c.7375C>T on transcript NM_025114.4 (MANE Select); coding-DNA position 7375, C replaced by T.
Protein change: p.Pro2459Ser; replaces proline 2459 with serine.
Molecular consequence: missense variant. On other transcripts: 3 prime UTR variant (1).
Genome position (GRCh38, 1-based): chr12:88,049,249, G>A on the plus strand (C>T on the coding strand, the complement: CEP290 is on the minus strand). VCF-style: chr12-88049249-G-A. GRCh37 (hg19) VCF-style: chr12-88443026-G-A.
Other names: c.*827G>A (NM_001009894.3); short protein forms P2459S.
Identifiers: ClinVar variation 310584 (VCV000310584.10), dbSNP rs754398792, ClinGen allele CA6711279.